The following is an entry in ClinVar:

NM_000548.5(TSC2):c.1495G>C (p.Asp499His)

Gene: TSC2 (TSC complex subunit 2; plus strand). Cytogenetic location: 16p13.3.
Variant type: single nucleotide variant.
Coding change: c.1495G>C on transcript NM_000548.5 (MANE Select); coding-DNA position 1495, G replaced by C.
Protein change: p.Asp499His; replaces aspartic acid 499 with histidine.
Molecular consequence: missense variant.
Genome position (GRCh38, 1-based): chr16:2,064,323, G>C. VCF-style: chr16-2064323-G-C. GRCh37 (hg19) VCF-style: chr16-2114324-G-C.
Other names: c.1495G>C, p.Asp499His (NM_001077183.3, NM_001114382.3, NM_001363528.2 and 3 more transcripts); c.1384G>C, p.Asp462His (NM_001318827.2); c.1348G>C, p.Asp450His (NM_001318829.2); c.895G>C, p.Asp299His (NM_001318831.2); c.1528G>C, p.Asp510His (NM_001318832.2); short protein forms D299H, D510H, D462H, D499H, D450H.
Identifiers: ClinVar variation 951812 (VCV000951812.8), dbSNP rs1555502438, ClinGen allele CA394326001.

ClinVar aggregate classification (germline): Uncertain significance. Review status: criteria provided, multiple submitters, no conflicts (2 of 4 stars). 2 submissions from 2 submitters: Uncertain significance (2). Last evaluated 2024-12-13.

Conditions:
Tuberous sclerosis 2 (TSC2). Identifiers: Orphanet 805, MedGen C1860707, MONDO:0013199, OMIM 613254.
Hereditary cancer-predisposing syndrome. Also called: Hereditary neoplastic syndrome; Tumor predisposition; Neoplastic Syndromes, Hereditary; Hereditary Cancer Syndrome. Identifiers: Orphanet 140162, MedGen C0027672, MeSH D009386, MONDO:0015356.

Submissions (2):

Labcorp Genetics (formerly Invitae), Labcorp
Classification: Uncertain significance for Tuberous sclerosis 2. Last evaluated: 2024-12-13. Review status: criteria provided, single submitter. Criteria: Invitae Variant Classification Sherloc (09022015). Collection method: clinical testing. Allele origin: germline.
Comment: This sequence change replaces aspartic acid, which is acidic and polar, with histidine, which is basic and polar, at codon 499 of the TSC2 protein (p.Asp499His). This variant is not present in population databases (gnomAD no frequency). This variant has not been reported in the literature in individuals affected with TSC2-related conditions. ClinVar contains an entry for this variant (Variation ID: 951812). Invitae Evidence Modeling of protein sequence and biophysical properties (such as structural, functional, and spatial information, amino acid conservation, physicochemical variation, residue mobility, and thermodynamic stability) indicates that this missense variant is not expected to disrupt TSC2 protein function with a negative predictive value of 95%. In summary, the available evidence is currently insufficient to determine the role of this variant in disease. Therefore, it has been classified as a Variant of Uncertain Significance.

Ambry Genetics
Classification: Uncertain significance for Hereditary cancer-predisposing syndrome. Last evaluated: 2024-03-29. Review status: criteria provided, single submitter. Criteria: Ambry Variant Classification Scheme 2023. Collection method: clinical testing. Allele origin: germline.
Comment: The p.D499H variant (also known as c.1495G>C), located in coding exon 14 of the TSC2 gene, results from a G to C substitution at nucleotide position 1495. The aspartic acid at codon 499 is replaced by histidine, an amino acid with similar properties. This amino acid position is conserved. In addition, this alteration is predicted to be deleterious by in silico analysis. Based on the available evidence, the clinical significance of this alteration remains unclear.